The following is an entry in ClinVar:

ClinVar aggregate classification (germline): Conflicting classifications of pathogenicity. Review status: criteria provided, conflicting classifications (1 of 4 stars). 4 submissions from 4 submitters: Uncertain significance (1); Likely benign (3). Last evaluated 2025-10-11.

Conditions:
LAMA5-related disorder. Also called: LAMA5-related condition; LAMA5-Related Disorders.
Inborn genetic diseases. Identifiers: MedGen C0950123, MeSH D030342.

Allele frequency attached by ClinVar (database versions not stated): gnomAD 0.00008; TOPMed 0.00013; ExAC 0.00016; 1000 Genomes Project 30x 0.00047; 1000 Genomes Project 0.00060.
gnomAD v4.1: 130 of 1,610,690 alleles (0.0081%); highest among the groups gnomAD compares: East Asian, 0.17%; 1 homozygote.

Submissions (4):

Mayo Clinic Laboratories, Mayo Clinic
Classification: Likely benign. Last evaluated: 2025-10-11. Review status: criteria provided, single submitter. Criteria: ACMG Guidelines, 2015. Collection method: clinical testing. Allele origin: germline. Observed: 1 variant allele.
Comment: BS1, BP4

Labcorp Genetics (formerly Invitae), Labcorp
Classification: Likely benign. Last evaluated: 2025-10-09. Review status: criteria provided, single submitter. Criteria: Invitae Variant Classification Sherloc (09022015). Collection method: clinical testing. Allele origin: germline.

Ambry Genetics
Classification: Likely benign for Inborn genetic diseases. Last evaluated: 2024-07-25. Review status: criteria provided, single submitter. Criteria: Ambry Variant Classification Scheme 2023. Collection method: clinical testing. Allele origin: germline.

PreventionGenetics, part of Exact Sciences
Classification: Uncertain significance for LAMA5-related condition. Last evaluated: 2022-12-07. Review status: criteria provided, single submitter. Criteria: ACMG Guidelines, 2015. Collection method: clinical testing. Allele origin: germline.
Comment: The LAMA5 c.10744C>T variant is predicted to result in the amino acid substitution p.Arg3582Trp. To our knowledge, this variant has not been reported in the literature. This variant is reported in 0.19% of alleles in individuals of East Asian descent in gnomAD. Although we suspect that this variant may be benign, at this time, the clinical significance of this variant is uncertain due to the absence of conclusive functional and genetic evidence.

Literature cited by the submitters: PubMed 35663266 (cited by Mayo Clinic Laboratories, Mayo Clinic).

NM_005560.6(LAMA5):c.10744C>T (p.Arg3582Trp)

Gene: LAMA5 (laminin subunit alpha 5; minus strand). Cytogenetic location: 20q13.33.
Variant type: single nucleotide variant.
Coding change: c.10744C>T on transcript NM_005560.6 (MANE Select); coding-DNA position 10744, C replaced by T.
Protein change: p.Arg3582Trp; replaces arginine 3582 with tryptophan.
Molecular consequence: missense variant.
Genome position (GRCh38, 1-based): chr20:62,310,072, G>A on the plus strand (C>T on the coding strand, the complement: LAMA5 is on the minus strand). VCF-style: chr20-62310072-G-A. GRCh37 (hg19) VCF-style: chr20-60885128-G-A.
Other names: p.Arg3582Trp; c.10744C>T (NM_005560.3); short protein forms R3582W.
Identifiers: ClinVar variation 2636793 (VCV002636793.6), dbSNP rs375718055, ClinGen allele CA9939636.